The following is an entry in ClinVar:

ClinVar aggregate classification (germline): Likely pathogenic (1 of 4 stars; one submission).

Conditions:
Congenital disorder of deglycosylation 1. Also called: NGLY1-Related Congenital Disorder of Deglycosylation; NGLY1-deficiency. Identifiers: Orphanet 404454, MedGen CN306977, MONDO:0800044, OMIM 615273.

Submission:

Juno Genomics, Hangzhou Juno Genomics, Inc
Classification: Likely pathogenic for Congenital disorder of deglycosylation 1. Review status: criteria provided, single submitter. Criteria: ACMG Guidelines, 2015. Collection method: clinical testing. Allele origin: germline.
Comment: Null variant in a gene where loss of function (LOF) is a known mechanism of disease.;Absent from controls (or at extremely low frequency if recessive) in Genome Aggregation Database.

NM_018297.4(NGLY1):c.604G>T (p.Glu202Ter)

Gene: NGLY1 (N-glycanase 1; minus strand). Cytogenetic location: 3p24.2.
Variant type: single nucleotide variant.
Coding change: c.604G>T on transcript NM_018297.4 (MANE Select); coding-DNA position 604, G replaced by T.
Protein change: p.Glu202Ter; replaces glutamic acid 202 with a stop codon.
Molecular consequence: nonsense.
Genome position (GRCh38, 1-based): chr3:25,751,152, C>A on the plus strand (G>T on the coding strand, the complement: NGLY1 is on the minus strand). VCF-style: chr3-25751152-C-A. GRCh37 (hg19) VCF-style: chr3-25792643-C-A.
Other names: c.604G>T, p.Glu202Ter (NM_001145293.2, NM_001145295.2); c.478G>T, p.Glu160Ter (NM_001145294.2); short protein forms E202*, E160*.
Identifiers: ClinVar variation 5006605 (VCV005006605.2).